The following is an entry in ClinVar:

ClinVar aggregate classification (germline): Uncertain significance (1 of 4 stars; one submission).

Conditions:
Duchenne muscular dystrophy (DMD). Also called: Duchenne Muscular Dystrophy (DMD); MUSCULAR DYSTROPHY, PSEUDOHYPERTROPHIC PROGRESSIVE, DUCHENNE TYPE. Identifiers: Orphanet 98896, MedGen C0013264, MONDO:0010679, OMIM 310200.

Submission:

Labcorp Genetics (formerly Invitae), Labcorp
Classification: Uncertain significance for Duchenne muscular dystrophy. Last evaluated: 2023-08-07. Review status: criteria provided, single submitter. Criteria: Invitae Variant Classification Sherloc (09022015). Collection method: clinical testing. Allele origin: germline.
Comment: In summary, the available evidence is currently insufficient to determine the role of this variant in disease. Therefore, it has been classified as a Variant of Uncertain Significance. A similar copy number variant has been observed in individual(s) with Becker muscular dystrophy (PMID: 18853462, 20485447). This variant results in a copy number gain of the genomic region encompassing exon(s) 16 of the DMD gene. While the exact position of this variant cannot be determined from the data, sub-genic copy number gains are generally in tandem (PMID: 25640679). This variant is predicted to be in-frame, and likely preserves the integrity of the reading frame.

Literature cited by the submitters: PubMed 18853462; PubMed 20485447; PubMed 25640679.

NC_000023.10:g.(?_32583799)_(32584018_?)dup

Gene: DMD (dystrophin; minus strand). Cytogenetic location: Xp21.1.
Variant type: Duplication.
Identifiers: ClinVar variation 1512358 (VCV001512358.7).